The following is an entry in ClinVar:

NM_014319.5(LEMD3):c.2702G>C (p.Arg901Pro)

Gene: LEMD3 (LEM domain containing 3; plus strand). Cytogenetic location: 12q14.3.
Variant type: single nucleotide variant.
Coding change: c.2702G>C on transcript NM_014319.5 (MANE Select); coding-DNA position 2702, G replaced by C.
Protein change: p.Arg901Pro; replaces arginine 901 with proline.
Molecular consequence: missense variant.
Genome position (GRCh38, 1-based): chr12:65,246,291, G>C. VCF-style: chr12-65246291-G-C. GRCh37 (hg19) VCF-style: chr12-65640071-G-C.
Other names: c.2699G>C, p.Arg900Pro (NM_001167614.2); short protein forms R901P, R900P.
Identifiers: ClinVar variation 4773345 (VCV004773345.1).

ClinVar aggregate classification (germline): Uncertain significance (1 of 4 stars; one submission).

gnomAD v4.1: 1 of 1,613,466 alleles (0.000062%); highest among the groups gnomAD compares: Non-Finnish European, 0.000085%; no homozygotes.

Submission:

Labcorp Genetics (formerly Invitae), Labcorp
Classification: Uncertain significance. Last evaluated: 2025-09-22. Review status: criteria provided, single submitter. Criteria: Invitae Variant Classification Sherloc (09022015). Collection method: clinical testing. Allele origin: germline.
Comment: This sequence change replaces arginine, which is basic and polar, with proline, which is neutral and non-polar, at codon 901 of the LEMD3 protein (p.Arg901Pro). This variant is present in population databases (no rsID available, gnomAD 0.0009%). This variant has not been reported in the literature in individuals affected with LEMD3-related conditions. An algorithm developed to predict the effect of missense changes on protein structure and function (PolyPhen-2) suggests that this variant is likely to be disruptive. In summary, the available evidence is currently insufficient to determine the role of this variant in disease. Therefore, it has been classified as a Variant of Uncertain Significance.